The following is an entry in ClinVar:

NM_007294.4(BRCA1):c.45T>A (p.Ile15=)

Gene: BRCA1 (BRCA1 DNA repair associated; minus strand). Cytogenetic location: 17q21.31.
Variant type: single nucleotide variant.
Coding change: c.45T>A on transcript NM_007294.4 (MANE Select); coding-DNA position 45, T replaced by A.
Protein change: p.Ile15=; no amino-acid change (isoleucine 15 retained).
Molecular consequence: synonymous variant. On other transcripts: 5 prime UTR variant (136), intron variant (36).
Genome position (GRCh38, 1-based): chr17:43,124,052, A>T on the plus strand (T>A on the coding strand, the complement: BRCA1 is on the minus strand). VCF-style: chr17-43124052-A-T. GRCh37 (hg19) VCF-style: chr17-41276069-A-T.
Other names: c.45T>A, p.Ile15= (NM_001407617.1, NM_001407618.1, NM_001407619.1 and 193 more transcripts); c.-213T>A (NM_001407694.1, NM_001407724.1, NM_001407727.1 and 11 more transcripts); c.-217T>A (NM_001407695.1, NM_001408465.1); c.-358T>A (NM_001407696.1); c.-242T>A (NM_001407697.1, NM_001407846.1, NM_001407920.1); c.-43T>A (NM_001407698.1, NM_001407732.1, NM_001407736.1 and 23 more transcripts); c.-216T>A (NM_001407725.1, NM_001407730.1, NM_001407734.1 and 22 more transcripts); c.-162T>A (NM_001407726.1, NM_001407751.1); and 23 more.
Identifiers: ClinVar variation 867712 (VCV000867712.3), dbSNP rs2055730198, ClinGen allele CA500131445.
Genomic context (GRCh38, chr17:43,124,052, plus strand): 5'-TTAATACACTCTTGTGCTGACTTACCAGATGGGACACTCTAAGATTTTCTGCATAGCATT[A>T]ATGACATTTTGTACTTCTTCAACGCGAAGAGCAGATAAATCCATTTCTTTCTGTTCCAAT-3'
Protein context (NP_009225.1, residues 5-25): ALRVEEVQNV[Ile15=]NAMQKILECP

Conditions:
Breast-ovarian cancer, familial, susceptibility to, 1 (BROVCA1). Also called: BRCA1 Hereditary Breast and Ovarian Cancer; OVARIAN CANCER, SUSCEPTIBILITY TO. Identifiers: Orphanet 145, MedGen C2676676, MONDO:0011450, OMIM 604370. Disease mechanism: loss of function.

Submission:

Brotman Baty Institute, University of Washington
No classification provided (evidence only). Condition: Breast-ovarian cancer, familial 1. Review status: no classification provided. Collection method: in vitro. Allele origin: not applicable. Functional consequence: functionally_normal.
ClinVar note: "not provided" was previously submitted as the classification for the variant. However, the classification appeared to be based only on an observation of functional data so it was converted to no classification on 2025-07-30.